The following is an entry in ClinVar:

NM_000384.3(APOB):c.12543A>C (p.Glu4181Asp)

Gene: APOB (apolipoprotein B; minus strand). Cytogenetic location: 2p24.1.
Variant type: single nucleotide variant.
Coding change: c.12543A>C on transcript NM_000384.3 (MANE Select); coding-DNA position 12543, A replaced by C.
Protein change: p.Glu4181Asp; replaces glutamic acid 4181 with aspartic acid.
Molecular consequence: missense variant.
Genome position (GRCh38, 1-based): chr2:21,002,879, T>G on the plus strand (A>C on the coding strand, the complement: APOB is on the minus strand). VCF-style: chr2-21002879-T-G. GRCh37 (hg19) VCF-style: chr2-21225751-T-G.
Other names: short protein forms E4181D.
Identifiers: ClinVar variation 1761355 (VCV001761355.7), dbSNP rs367740129, ClinGen allele CA050526.

ClinVar aggregate classification (germline): Conflicting classifications of pathogenicity. Review status: criteria provided, conflicting classifications (1 of 4 stars). 2 submissions from 2 submitters: Uncertain significance (1); Likely benign (1). Last evaluated 2025-06-22.

Conditions:
Familial hypobetalipoproteinemia 1. Also called: APOB-Related Familial Hypobetalipoproteinemia; Hypobetalipoproteinemia, normotriglyceridemic; Acanthocytosis with hypobetalipoproteinemia. Identifiers: MedGen C4551990, MONDO:0014252, OMIM 615558.
Hypercholesterolemia, autosomal dominant, type B (FHCL2). Also called: Hyperlipoproteinemia Type IIb; Familial hypercholesterolemia 2; Familial Hypercholesterolemia Type B; APOLIPOPROTEIN B-100, FAMILIAL DEFECTIVE; APOLIPOPROTEIN B-100, FAMILIAL LIGAND-DEFECTIVE; HYPERCHOLESTEROLEMIA, FAMILIAL, DUE TO LIGAND-DEFECTIVE APOLIPOPROTEIN B. Identifiers: MedGen C1704417, MONDO:0007751, OMIM 144010.
Cardiovascular phenotype. Identifiers: MedGen CN230736.

Allele frequency attached by ClinVar (database versions not stated): gnomAD exomes below 0.00001; ExAC 0.00001; gnomAD 0.00001; TOPMed 0.00005; ESP Exome Variant Server 0.00008.
gnomAD v4.1: 4 of 1,613,560 alleles (0.00025%); highest among the groups gnomAD compares: African/African-American, 0.0053%; no homozygotes.

Submissions (2):

Ambry Genetics
Classification: Uncertain significance for Cardiovascular phenotype. Last evaluated: 2025-06-22. Review status: criteria provided, single submitter. Criteria: Ambry Variant Classification Scheme 2023. Collection method: clinical testing. Allele origin: germline.
Comment: The p.E4181D variant (also known as c.12543A>C), located in coding exon 29 of the APOB gene, results from an A to C substitution at nucleotide position 12543. The glutamic acid at codon 4181 is replaced by aspartic acid, an amino acid with highly similar properties. This amino acid position is not well conserved in available vertebrate species, and aspartic acid is the reference amino acid in other vertebrate species. In addition, this alteration is predicted to be tolerated by in silico analysis. Since supporting evidence is limited at this time, the clinical significance of this alteration remains unclear.

Labcorp Genetics (formerly Invitae), Labcorp
Classification: Likely benign for Familial hypobetalipoproteinemia 1; Hypercholesterolemia, autosomal dominant, type B. Last evaluated: 2025-03-29. Review status: criteria provided, single submitter. Criteria: Invitae Variant Classification Sherloc (09022015). Collection method: clinical testing. Allele origin: germline.